The following is an entry in ClinVar:

NM_020831.6(MRTFA):c.2364+5C>T

Gene: MRTFA (myocardin related transcription factor A; minus strand). Cytogenetic location: 22q13.1.
Variant type: single nucleotide variant.
Coding change: c.2364+5C>T on transcript NM_020831.6 (MANE Select); 5 bases into the intron after coding-DNA position 2364, C replaced by T.
Molecular consequence: intron variant.
Genome position (GRCh38, 1-based): chr22:40,418,369, G>A on the plus strand (C>T on the coding strand, the complement: MRTFA is on the minus strand). VCF-style: chr22-40418369-G-A. GRCh37 (hg19) VCF-style: chr22-40814373-G-A.
Other names: c.2064+5C>T (NM_020831.4, NM_001282660.2); c.2214+5C>T (NM_001282661.3); c.2364+5C>T (NM_001282662.3, NM_020831.5); c.2169+5C>T (NM_001318139.2).
Identifiers: ClinVar variation 1682962 (VCV001682962.11), dbSNP rs377354263, ClinGen allele CA10249363.

ClinVar aggregate classification (germline): Conflicting classifications of pathogenicity. Review status: criteria provided, conflicting classifications (1 of 4 stars). 4 submissions from 4 submitters: Uncertain significance (1); Likely benign (1). 2 of the submissions do not count toward it. Last evaluated 2026-01-18.

Conditions:
MRTFA-related disorder. Also called: MRTFA-related condition.

Allele frequency attached by ClinVar (database versions not stated): gnomAD 0.00026 and 0.00027; gnomAD exomes 0.00026; TOPMed 0.00026; ExAC 0.00030; ESP Exome Variant Server 0.00054.
gnomAD v4.1: 444 of 1,612,878 alleles (0.028%); highest among the groups gnomAD compares: Non-Finnish European, 0.036%; no homozygotes.

Submissions (4):

Labcorp Genetics (formerly Invitae), Labcorp
Classification: Uncertain significance. Last evaluated: 2026-01-18. Review status: criteria provided, single submitter. Criteria: Invitae Variant Classification Sherloc (09022015). Collection method: clinical testing. Allele origin: germline.
Comment: This sequence change falls in intron 12 of the MKL1 gene. It does not directly change the encoded amino acid sequence of the MKL1 protein. It affects a nucleotide within the consensus splice site. This variant is present in population databases (rs377354263, gnomAD 0.05%), and has an allele count higher than expected for a pathogenic variant. This variant has not been reported in the literature in individuals affected with MKL1-related conditions. ClinVar contains an entry for this variant (Variation ID: 1682962). Variants that disrupt the consensus splice site are a relatively common cause of aberrant splicing (PMID: 17576681, 9536098). Algorithms developed to predict the effect of sequence changes on RNA splicing suggest that this variant is not likely to affect RNA splicing. In summary, the available evidence is currently insufficient to determine the role of this variant in disease. Therefore, it has been classified as a Variant of Uncertain Significance.

Blueprint Genetics
Classification: Likely benign. Last evaluated: 2024-11-25. Review status: criteria provided, single submitter. Criteria: ACMG Guidelines, 2015. Collection method: clinical testing. Allele origin: germline.

PreventionGenetics, part of Exact Sciences
Classification: Likely benign for MRTFA-related condition. Last evaluated: 2024-01-29. Review status: no assertion criteria provided. Collection method: clinical testing. Allele origin: germline. Not counted in ClinVar's aggregate classification.
Comment: This variant is classified as likely benign based on ACMG/AMP sequence variant interpretation guidelines (Richards et al. 2015 PMID: 25741868, with internal and published modifications).

Genetic Services Laboratory, University of Chicago
Classification: Uncertain significance. Last evaluated: 2022-09-02. Review status: no assertion criteria provided. Collection method: clinical testing. Allele origin: germline. Affected: no. Not counted in ClinVar's aggregate classification.
Comment: DNA sequence analysis of the MRTFA gene demonstrated a sequence change in intron 12, c.2364+5C>T. This change does not appear to have been previously described in individuals with MRTFA-related disorders.This sequence change has been described in the gnomAD database with a frequency of 0.05% in the European subpopulation (dbSNP rs377354263). This sequence change is not predicted to have a deleterious effect on splicing based on in-silico splice prediction programs. The functional significance of this sequence change is not known at present and its contribution to this individual's disease phenotype cannot definitively be determined.

Literature cited by the submitters: PubMed 17576681 (cited by Labcorp Genetics (formerly Invitae), Labcorp); PubMed 9536098 (cited by Labcorp Genetics (formerly Invitae), Labcorp).